The following is an entry in ClinVar:

ClinVar aggregate classification (germline): Pathogenic (1 of 4 stars; one submission).

Conditions:
Cataract 5 multiple types (CTRCT5). Also called: Lamellar cataract; CATARACT, MARNER TYPE; CATARACT 5, LAMELLAR. Identifiers: Orphanet 91492, MedGen C0266537, MONDO:0007290, OMIM 116800, HP:0007971.

Submission:

Labcorp Genetics (formerly Invitae), Labcorp
Classification: Pathogenic for Cataract 5 multiple types. Last evaluated: 2017-11-09. Review status: criteria provided, single submitter. Criteria: Invitae Variant Classification Sherloc (09022015). Collection method: clinical testing. Allele origin: germline.
Comment: This sequence change deletes 1 nucleotide from exon 3 of the HSF4 mRNA (c.89delA), causing a frameshift at codon 30. This creates a premature translational stop signal (p.Asp30Alafs*7) and is expected to result in an absent or disrupted protein product. While this particular variant has not been reported in the literature, loss-of-function variants in HSF4 are known to be pathogenic (PMID: 24045990). For these reasons, this variant has been classified as Pathogenic.

Literature cited by the submitters: PubMed 24045990.

NM_001374675.1(HSF4):c.89del (p.Asp30fs)

Gene: HSF4 (heat shock transcription factor 4; plus strand). Cytogenetic location: 16q22.1.
Variant type: Deletion.
Coding change: c.89del on transcript NM_001374675.1 (MANE Select); coding-DNA position 89, one base deleted (A; older notation c.89delA).
Protein change: p.Asp30fs; shifts the reading frame from aspartic acid 30.
Molecular consequence: frameshift variant.
Genome position (GRCh38, 1-based): chr16:67,164,900, A deleted. VCF-style (leftmost placement, unchanged base first): chr16-67164899-GA-G. GRCh37 (hg19) VCF-style: chr16-67198802-GA-G.
Other names: c.89del, p.Asp30fs (NM_001040667.3, NM_001374674.1, NM_001538.4); short protein forms D30fs.
Identifiers: ClinVar variation 459609 (VCV000459609.6), dbSNP rs1555549755, ClinGen allele CA658658475.
Genomic context (GRCh38, chr16:67,164,899, plus strand): 5'-ACGGAGCCAGGCCCCAGCCCCGTGCCTGCCTTCCTCGGCAAGCTATGGGCGCTGGTGGGG[GA>G]CCCAGGCACAGACCACCTGATCCGCTGGAGCCCGGTGAGGGCCGGGGCCCCTCGATTCCC-3'